The following is an entry in ClinVar:

NM_001242896.3(DEPDC5):c.2518C>T (p.Leu840Phe)

Gene: DEPDC5 (DEP domain containing 5, GATOR1 subcomplex subunit; plus strand). Cytogenetic location: 22q12.3.
Variant type: single nucleotide variant.
Coding change: c.2518C>T on transcript NM_001242896.3 (MANE Select); coding-DNA position 2518, C replaced by T.
Protein change: p.Leu840Phe; replaces leucine 840 with phenylalanine.
Molecular consequence: missense variant. On other transcripts: non-coding transcript variant (5).
Genome position (GRCh38, 1-based): chr22:31,843,097, C>T. VCF-style: chr22-31843097-C-T. GRCh37 (hg19) VCF-style: chr22-32239083-C-T.
Other names: c.2284C>T, p.Leu762Phe (NM_001242897.2, NM_001363854.2, NM_001364319.2); c.2518C>T, p.Leu840Phe (NM_001363852.2, NM_001364318.2, NM_001364320.2); c.2434C>T, p.Leu812Phe (NM_001369901.1, NM_001369902.1); c.2491C>T, p.Leu831Phe (NM_001369903.1, NM_014662.6, NM_001136029.4); short protein forms L762F, L812F, L831F, L840F.
Identifiers: ClinVar variation 3367187 (VCV003367187.1).

ClinVar aggregate classification (germline): Uncertain significance (1 of 4 stars; one submission).

Conditions:
Epilepsy, familial focal, with variable foci 1 (FFEVF1). Also called: DEPDC5-Related Epilepsy. Identifiers: MedGen C4551983, MONDO:0024556, OMIM 604364.

gnomAD v4.1: 1 of 1,611,686 alleles (0.000062%); highest among the groups gnomAD compares: Middle Eastern, 0.017%; no homozygotes.

Submission:

Diagnostics Services (NGS), CSIR - Centre For Cellular And Molecular Biology
Classification: Uncertain significance for Epilepsy, familial focal, with variable foci 1. Last evaluated: 2024-10-21. Review status: criteria provided, single submitter. Criteria: ACMG Guidelines, 2015. Collection method: clinical testing. Allele origin: unknown. Affected: yes. Observed: 1 variant allele, 1 heterozygote.
Comment: The c.2518C>T variant is not present in publicly available population databases like 1000 Genomes, EVS, ExAC, gnomAD, Indian Exome Database or our in-house exome database. This variant has neither been published in literature in individuals affected with DEPDC5-related conditions nor reported to the clinical databases like ClinVar, Human Genome Mutation Database (HGMD) or OMIM, in any affected individuals. In-silico pathogenicity prediction programs like PolyPhen-2, MutationTaster2, CADD etc predicted this variant to be likely deleterious, however these predictions were not confirmed by published functional studies.